The following is an entry in ClinVar:

NM_000031.6(ALAD):c.126T>A (p.Asp42Glu)

Gene: ALAD (aminolevulinate dehydratase; minus strand). Cytogenetic location: 9q32.
Variant type: single nucleotide variant.
Coding change: c.126T>A on transcript NM_000031.6 (MANE Select); coding-DNA position 126, T replaced by A.
Protein change: p.Asp42Glu; replaces aspartic acid 42 with glutamic acid.
Molecular consequence: missense variant. On other transcripts: intron variant (1).
Genome position (GRCh38, 1-based): chr9:113,392,157, A>T on the plus strand (T>A on the coding strand, the complement: ALAD is on the minus strand). VCF-style: chr9-113392157-A-T. GRCh37 (hg19) VCF-style: chr9-116154437-A-T.
Other names: c.213T>A, p.Asp71Glu (NM_001003945.3); c.141-534T>A (NM_001317745.2); short protein forms D42E, D71E.
Identifiers: ClinVar variation 2043941 (VCV002043941.1), dbSNP rs544293826, ClinGen allele CA5196608.
Genomic context (GRCh38, chr9:113,392,157, plus strand): 5'-CCCCCAACTCCACGTCTCCTACCTGGCCACTCCTGGGAGGCTGGTGATAGGCTGTATGTC[A>T]TCAGGAACATCCCTGCAAGAGCGGGGGTGGGATATGGATTGGTAGCTGTGGGAAGGGCCA-3'
Protein context (NP_000022.3, residues 32-52): IYPIFVTDVP[Asp42Glu]DIQPITSLPG

ClinVar aggregate classification (germline): Uncertain significance (1 of 4 stars; one submission).

Allele frequency attached by ClinVar (database versions not stated): 1000 Genomes Project 0.00040; 1000 Genomes Project 30x 0.00047.

Submission:

Labcorp Genetics (formerly Invitae), Labcorp
Classification: Uncertain significance. Last evaluated: 2022-05-20. Review status: criteria provided, single submitter. Criteria: Invitae Variant Classification Sherloc (09022015). Collection method: clinical testing. Allele origin: germline.
Comment: This sequence change replaces aspartic acid, which is acidic and polar, with glutamic acid, which is acidic and polar, at codon 42 of the ALAD protein (p.Asp42Glu). This variant is present in population databases (rs544293826, gnomAD 0.005%). This variant has not been reported in the literature in individuals affected with ALAD-related conditions. Algorithms developed to predict the effect of missense changes on protein structure and function output the following: SIFT: "Deleterious"; PolyPhen-2: "Benign"; Align-GVGD: "Class C0". The glutamic acid amino acid residue is found in multiple mammalian species, which suggests that this missense change does not adversely affect protein function. In summary, the available evidence is currently insufficient to determine the role of this variant in disease. Therefore, it has been classified as a Variant of Uncertain Significance.